The following is an entry in ClinVar:

NM_001253852.3(AP4B1):c.1365T>C (p.Tyr455=)

Genes: AP4B1 (adaptor related protein complex 4 subunit beta 1; minus strand), AP4B1-AS1 (AP4B1 antisense RNA 1; plus strand). Cytogenetic location: 1p13.2.
Variant type: single nucleotide variant.
Coding change: c.1365T>C on transcript NM_001253852.3 (MANE Select); coding-DNA position 1365, T replaced by C.
Protein change: p.Tyr455=; no amino-acid change (tyrosine 455 retained).
Molecular consequence: synonymous variant.
Genome position (GRCh38, 1-based): chr1:113,896,403, A>G on the plus strand (T>C on the coding strand, the complement: AP4B1 is on the minus strand). VCF-style: chr1-113896403-A-G. GRCh37 (hg19) VCF-style: chr1-114439025-A-G.
Other names: p.Tyr455=; c.1068T>C, p.Tyr356= (NM_001253853.3); c.861T>C, p.Tyr287= (NM_001308312.2); c.1365T>C, p.Tyr455= (NM_006594.5).
Identifiers: ClinVar variation 157717 (VCV000157717.26), dbSNP rs114201291, ClinGen allele CA171106.

ClinVar aggregate classification (germline): Benign/Likely benign. Review status: criteria provided, multiple submitters, no conflicts (2 of 4 stars). 9 submissions from 9 submitters: Benign (5); Likely benign (4). Last evaluated 2026-02-03.

Conditions:
Inborn genetic diseases. Identifiers: MedGen C0950123, MeSH D030342.
Hereditary spastic paraplegia. Also called: Familial spastic paraparesis. Identifiers: Orphanet 685, MedGen C0037773, MONDO:0019064. Disease mechanism: loss of function.
Hereditary spastic paraplegia 47. Also called: adaptor protein 4 (AP-4) deficiency syndrome; Spastic paraplegia 47, autosomal recessive; CEREBRAL PALSY, SPASTIC QUADRIPLEGIC, 5. Identifiers: Orphanet 280763, MedGen C3279738, MONDO:0013551, OMIM 614066.

Allele frequency attached by ClinVar (database versions not stated): 1000 Genomes Project 30x 0.00359; 1000 Genomes Project 0.00379; gnomAD 0.01436 and 0.01466; TOPMed 0.01489; gnomAD exomes 0.01519 and 0.01963; ExAC 0.01563; ESP Exome Variant Server 0.01661.
gnomAD v4.1: 30,657 of 1,614,204 alleles (1.9%); highest among the groups gnomAD compares: Non-Finnish European, 2.3%; 348 homozygotes.

Submissions (9):

Labcorp Genetics (formerly Invitae), Labcorp
Classification: Benign for Hereditary spastic paraplegia 47. Last evaluated: 2026-02-03. Review status: criteria provided, single submitter. Criteria: Invitae Variant Classification Sherloc (09022015). Collection method: clinical testing. Allele origin: germline.

Blueprint Genetics
Classification: Likely benign. Last evaluated: 2024-11-25. Review status: criteria provided, single submitter. Criteria: ACMG Guidelines, 2015. Collection method: clinical testing. Allele origin: germline.

Genome-Nilou Lab
Classification: Likely benign for Hereditary spastic paraplegia 47. Last evaluated: 2023-04-11. Review status: criteria provided, single submitter. Criteria: ACMG Guidelines, 2015. Collection method: clinical testing. Allele origin: germline. Affected: no.

Genome Diagnostics Laboratory, The Hospital for Sick Children
Classification: Benign for Hereditary spastic paraplegia. Last evaluated: 2021-05-23. Review status: criteria provided, single submitter. Criteria: ACMG Guidelines, 2015. Collection method: clinical testing. Allele origin: germline. Affected: yes.

Mayo Clinic Laboratories, Mayo Clinic
Classification: Benign. Last evaluated: 2018-01-03. Review status: criteria provided, single submitter. Criteria: ACMG Guidelines, 2015. Collection method: clinical testing. Allele origin: germline. Observed: 41 variant alleles.

GeneDx
Classification: Benign. Last evaluated: 2016-05-04. Review status: criteria provided, single submitter. Criteria: GeneDx Variant Classification (06012015). Collection method: clinical testing. Allele origin: germline. Affected: yes.
Comment: This variant is considered likely benign or benign based on one or more of the following criteria: it is a conservative change, it occurs at a poorly conserved position in the protein, it is predicted to be benign by multiple in silico algorithms, and/or has population frequency not consistent with disease.

Ambry Genetics
Classification: Benign for Inborn genetic diseases. Last evaluated: 2016-04-07. Review status: criteria provided, single submitter. Criteria: Ambry Variant Classification Scheme 2023. Collection method: clinical testing. Allele origin: germline.

Genetic Services Laboratory, University of Chicago
Classification: Likely benign. Last evaluated: 2013-04-01. Review status: criteria provided, single submitter. Criteria: ACMG Guidelines, 2007. Collection method: clinical testing. Allele origin: germline. Inheritance: Autosomal recessive inheritance.
Comment: Likely benign based on allele frequency in 1000 Genomes Project or ESP global frequency and its presence in a patient with a rare or unrelated disease phenotype. NOT Sanger confirmed

Breakthrough Genomics
Classification: Likely benign. Review status: criteria provided, single submitter. Criteria: ACMG Guidelines, 2015. Collection method: not provided. Allele origin: germline. Inheritance: Autosomal recessive inheritance. Affected: yes.